The following is an entry in ClinVar:

NC_000004.12:g.10396803_10398532del

Variant type: Deletion.
Genome position: GRCh38: chr4:10,396,803-10,398,532. GRCh37 (hg19): chr4:10,398,427-10,400,156.
Identifiers: ClinVar variation 156908 (VCV000156908.3), ClinGen allele CA212068.

ClinVar aggregate classification (germline): not provided (0 of 4 stars; one submission).

Conditions:
Normal pregnancy. Identifiers: MedGen C0232989.

Submission:

Institute of Molecular and Cell Biology, University of Tartu
No classification provided. Condition: Normal pregnancy. Review status: no classification provided. Collection method: case-control. Allele origin: unknown. Affected: yes. Study: Kasak2014.
Comment: The study aimed to determine the contribution of copy number variants in the genetic etiology of normal and complicated pregnancies. The samples represented (i) maternal blood DNA drawn from healthy pregnant women during 1st or 2nd trimester and (ii) maternal and paternal blood DNA drawn at term pregnancy cases representing normal and complicated gestations (severe preeclampsia, PE; gestational diabetes, GD; small-for-gestational age newborn, SGA; large-for-gestational age newborn, LGA). We performed CNV calling based on genome-wide genotyping dataset (Illumina HumanOmniExpress-24-v1 BeadChip) by applying three algorithms, QuantiSNP, GADA (Genome Alteration Detection Algorithm) and CNstream in parallel. The acquired CNV calls were merged with HD-CNV (Hotspot Detector for Copy Number Variants) program and only the CNVs predicted by at least two programs, were considered in subsequent analysis.

Literature cited by the submitters: PubMed 25666259.